The following is an entry in ClinVar:

ClinVar aggregate classification (germline): Uncertain significance. Review status: criteria provided, multiple submitters, no conflicts (2 of 4 stars). 7 submissions from 7 submitters: Uncertain significance (6). 1 of the submissions does not count toward it. Last evaluated 2026-07-30.

Conditions:
CDH23-related disorder. Also called: CDH23-related condition; CDH23-related disorders.
Inborn genetic diseases. Identifiers: MedGen C0950123, MeSH D030342.
Usher syndrome type 1 (USH1). Also called: RETINITIS PIGMENTOSA AND CONGENITAL DEAFNESS. Identifiers: Orphanet 231169, Orphanet 886, MedGen C1568247, MONDO:0010168, OMIM 276900.

Allele frequency attached by ClinVar (database versions not stated): gnomAD exomes 0.00002 and 0.00005; gnomAD 0.00004; TOPMed 0.00006; ExAC 0.00008; ESP Exome Variant Server 0.00023.
gnomAD v4.1: 42 of 1,612,634 alleles (0.0026%); highest among the groups gnomAD compares: Non-Finnish European, 0.0032%; no homozygotes.

Submissions (7):

PreventionGenetics, part of Exact Sciences
Classification: Uncertain significance for CDH23-related condition. Last evaluated: 2026-07-30. Review status: criteria provided, single submitter. Criteria: ACMG Guidelines, 2015. Collection method: clinical testing. Allele origin: germline.
Comment: The CDH23 c.6091G>A variant is predicted to result in the amino acid substitution p.Ala2031Thr. To our knowledge, this variant has not been reported in the literature. This variant is reported in 0.0089% of alleles in individuals of European (Non-Finnish) descent in gnomAD. At this time, the clinical significance of this variant is uncertain due to the absence of conclusive functional and genetic evidence.

Labcorp Genetics (formerly Invitae), Labcorp
Classification: Uncertain significance. Last evaluated: 2024-09-15. Review status: criteria provided, single submitter. Criteria: Invitae Variant Classification Sherloc (09022015). Collection method: clinical testing. Allele origin: germline.
Comment: This sequence change replaces alanine, which is neutral and non-polar, with threonine, which is neutral and polar, at codon 2031 of the CDH23 protein (p.Ala2031Thr). This variant is present in population databases (rs368381520, gnomAD 0.01%). This variant has not been reported in the literature in individuals affected with CDH23-related conditions. ClinVar contains an entry for this variant (Variation ID: 162926). Invitae Evidence Modeling of protein sequence and biophysical properties (such as structural, functional, and spatial information, amino acid conservation, physicochemical variation, residue mobility, and thermodynamic stability) indicates that this missense variant is not expected to disrupt CDH23 protein function with a negative predictive value of 95%. In summary, the available evidence is currently insufficient to determine the role of this variant in disease. Therefore, it has been classified as a Variant of Uncertain Significance.

Blueprint Genetics
Classification: Uncertain significance. Last evaluated: 2024-06-07. Review status: criteria provided, single submitter. Criteria: ACMG Guidelines, 2015. Collection method: clinical testing. Allele origin: germline.

Ambry Genetics
Classification: Uncertain significance for Inborn genetic diseases. Last evaluated: 2023-04-18. Review status: criteria provided, single submitter. Criteria: Ambry Variant Classification Scheme 2023. Collection method: clinical testing. Allele origin: germline.

Laboratory for Molecular Medicine, Mass General Brigham Personalized Medicine
Classification: Uncertain significance. Last evaluated: 2018-07-25. Review status: criteria provided, single submitter. Criteria: LMM Criteria. Collection method: clinical testing. Allele origin: germline. Observed: 2 variant alleles.
Comment: It has been identified in 0.01% (15/110508) of European chromosom es by the Genome Aggregation Database (gnomAD; dbSNP rs368381520). This variant has also been reported in ClinVar (Variation I D 162926). Computational prediction tools and conservation analysis suggest that the p.Ala2031Thr variant may impact the protein, though this information is not predictive enough to determine pathogenicity. In summary, the clinical signific ance of the p.Ala2031Thr variant is uncertain. ACMG/AMP Criteria applied: PP3, P M2_Supporting.

ARUP Laboratories, Molecular Genetics and Genomics, ARUP Laboratories
Classification: Uncertain significance. Last evaluated: 2017-02-24. Review status: criteria provided, single submitter. Criteria: ARUP Molecular Germline Variant Investigation Process. Collection method: clinical testing. Allele origin: germline.

Natera, Inc.
Classification: Uncertain significance for Usher syndrome type 1. Last evaluated: 2020-09-16. Review status: no assertion criteria provided. Collection method: clinical testing. Allele origin: germline. Not counted in ClinVar's aggregate classification.

NM_022124.6(CDH23):c.6091G>A (p.Ala2031Thr)

Gene: CDH23 (cadherin related 23; plus strand). Cytogenetic location: 10q22.1.
Variant type: single nucleotide variant.
Coding change: c.6091G>A on transcript NM_022124.6 (MANE Select); coding-DNA position 6091, G replaced by A.
Protein change: p.Ala2031Thr; replaces alanine 2031 with threonine.
Molecular consequence: missense variant.
Genome position (GRCh38, 1-based): chr10:71,791,173, G>A. VCF-style: chr10-71791173-G-A. GRCh37 (hg19) VCF-style: chr10-73550930-G-A.
Other names: short protein forms A2031T.
Identifiers: ClinVar variation 162926 (VCV000162926.20), dbSNP rs368381520, ClinGen allele CA175500.